The following is an entry in ClinVar:

NM_025137.4(SPG11):c.4082A>C (p.Tyr1361Ser)

Gene: SPG11 (SPG11 vesicle trafficking associated, spatacsin; minus strand). Cytogenetic location: 15q21.1.
Variant type: single nucleotide variant.
Coding change: c.4082A>C on transcript NM_025137.4 (MANE Select); coding-DNA position 4082, A replaced by C.
Protein change: p.Tyr1361Ser; replaces tyrosine 1361 with serine.
Molecular consequence: missense variant.
Genome position (GRCh38, 1-based): chr15:44,596,863, T>G on the plus strand (A>C on the coding strand, the complement: SPG11 is on the minus strand). VCF-style: chr15-44596863-T-G. GRCh37 (hg19) VCF-style: chr15-44889061-T-G.
Other names: c.4082A>C, p.Tyr1361Ser (NM_001160227.2, NM_001411132.1); short protein forms Y1361S.
Identifiers: ClinVar variation 2007336 (VCV002007336.4), dbSNP rs2083056752, ClinGen allele CA392229027.

ClinVar aggregate classification (germline): Uncertain significance (1 of 4 stars; one submission).

Conditions:
Hereditary spastic paraplegia 11. Also called: Nakamura Osame syndrome; Autosomal recessive hereditary spastic paraplegia, mental impairment, and thin corpus callosum; SPASTIC PARAPLEGIA, AUTOSOMAL RECESSIVE, COMPLICATED, WITH THIN CORPUS CALLOSUM; SPASTIC PARAPLEGIA, AUTOSOMAL RECESSIVE, WITH MENTAL IMPAIRMENT AND THIN CORPUS CALLOSUM; Spastic Paraplegia 11; Spastic paraplegia, mental retardation and thin corpus callosum. Identifiers: Orphanet 2822, MedGen C1858479, MONDO:0011445, OMIM 604360.

Allele frequency attached by ClinVar (database versions not stated): gnomAD exomes below 0.00001; TOPMed below 0.00001; gnomAD 0.00001.

Submission:

Labcorp Genetics (formerly Invitae), Labcorp
Classification: Uncertain significance for Hereditary spastic paraplegia 11. Last evaluated: 2022-07-13. Review status: criteria provided, single submitter. Criteria: Invitae Variant Classification Sherloc (09022015). Collection method: clinical testing. Allele origin: germline.
Comment: Algorithms developed to predict the effect of missense changes on protein structure and function are either unavailable or do not agree on the potential impact of this missense change (SIFT: "Deleterious"; PolyPhen-2: "Probably Damaging"; Align-GVGD: "Class C0"). This variant has not been reported in the literature in individuals affected with SPG11-related conditions. This variant is not present in population databases (gnomAD no frequency). This sequence change replaces tyrosine, which is neutral and polar, with serine, which is neutral and polar, at codon 1361 of the SPG11 protein (p.Tyr1361Ser). In summary, the available evidence is currently insufficient to determine the role of this variant in disease. Therefore, it has been classified as a Variant of Uncertain Significance.